The following is an entry in ClinVar:

NM_001142800.2(EYS):c.6078G>C (p.Gln2026His)

Gene: EYS (EGF-like photoreceptor maintenance factor; minus strand). Cytogenetic location: 6q12.
Variant type: single nucleotide variant.
Coding change: c.6078G>C on transcript NM_001142800.2 (MANE Select); coding-DNA position 6078, G replaced by C.
Protein change: p.Gln2026His; replaces glutamine 2026 with histidine.
Molecular consequence: missense variant.
Genome position (GRCh38, 1-based): chr6:64,388,690, C>G on the plus strand (G>C on the coding strand, the complement: EYS is on the minus strand). VCF-style: chr6-64388690-C-G. GRCh37 (hg19) VCF-style: chr6-65098583-C-G.
Other names: c.6078G>C, p.Gln2026His (NM_001292009.2); short protein forms Q2026H.
Identifiers: ClinVar variation 1462016 (VCV001462016.7), dbSNP rs2150424888, ClinGen allele CA364391942.
Genomic context (GRCh38, chr6:64,388,690, plus strand): 5'-TATGATGATTTTCAATAATTATTTTCAATAATTAATATTTTAAAACATCTATAGAAATAC[C>G]TGGATTTTCCCATGAAGGTCTGGAAATCCACCAATGAAGACAGATCCTGATTTTGGCAGG-3'
Protein context (NP_001136272.1, residues 2016-2036): GGFPDLHGKI[Gln2026His]MPVPVKNFTG

ClinVar aggregate classification (germline): Uncertain significance. Review status: criteria provided, multiple submitters, no conflicts (2 of 4 stars). 2 submissions from 2 submitters: Uncertain significance (2). Last evaluated 2026-01-14.

Submissions (2):

Women's Health and Genetics/Laboratory Corporation of America, LabCorp
Classification: Uncertain significance. Last evaluated: 2026-01-14. Review status: criteria provided, single submitter. Criteria: LabCorp Variant Classification Summary - May 2015. Collection method: clinical testing. Allele origin: germline.
Comment: Variant summary: EYS c.6078G>C (p.Gln2026His) results in a non-conservative amino acid change in the encoded protein sequence. Algorithms developed to predict the effect of missense changes on protein structure and function are either unavailable or do not agree on the potential impact of this missense change. Several computational tools predict a significant impact on normal splicing: Two predict the variant abolishes a 5' splicing donor site. One predicts the variant weakens a 5' donor site. However, these predictions have yet to be confirmed by functional studies. The variant was absent in 140116 control chromosomes. The available data on variant occurrences in the general population are insufficient to allow any conclusion about variant significance. To our knowledge, no occurrence of c.6078G>C in individuals affected with EYS-related conditions and no experimental evidence demonstrating its impact on protein function have been reported. ClinVar contains an entry for this variant (Variation ID: 1462016). Based on the evidence outlined above, the variant was classified as uncertain significance.

Labcorp Genetics (formerly Invitae), Labcorp
Classification: Uncertain significance. Last evaluated: 2023-07-25. Review status: criteria provided, single submitter. Criteria: Invitae Variant Classification Sherloc (09022015). Collection method: clinical testing. Allele origin: germline.
Comment: In summary, the available evidence is currently insufficient to determine the role of this variant in disease. Therefore, it has been classified as a Variant of Uncertain Significance. Variants that disrupt the consensus splice site are a relatively common cause of aberrant splicing (PMID: 17576681, 9536098). Algorithms developed to predict the effect of sequence changes on RNA splicing suggest that this variant may disrupt the consensus splice site. An algorithm developed to predict the effect of missense changes on protein structure and function (PolyPhen-2) suggests that this variant is likely to be disruptive. ClinVar contains an entry for this variant (Variation ID: 1462016). This variant has not been reported in the literature in individuals affected with EYS-related conditions. This variant is not present in population databases (gnomAD no frequency). This sequence change replaces glutamine, which is neutral and polar, with histidine, which is basic and polar, at codon 2026 of the EYS protein (p.Gln2026His). This variant also falls at the last nucleotide of exon 29, which is part of the consensus splice site for this exon.

Literature cited by the submitters: PubMed 17576681 (cited by Labcorp Genetics (formerly Invitae), Labcorp); PubMed 9536098 (cited by Labcorp Genetics (formerly Invitae), Labcorp).